The following is an entry in ClinVar:

NM_001735.3(C5):c.1288G>A (p.Val430Met)

Gene: C5 (complement C5; minus strand). Cytogenetic location: 9q33.2.
Variant type: single nucleotide variant.
Coding change: c.1288G>A on transcript NM_001735.3 (MANE Select); coding-DNA position 1288, G replaced by A.
Protein change: p.Val430Met; replaces valine 430 with methionine.
Molecular consequence: missense variant.
Genome position (GRCh38, 1-based): chr9:121,021,523, C>T on the plus strand (G>A on the coding strand, the complement: C5 is on the minus strand). VCF-style: chr9-121021523-C-T. GRCh37 (hg19) VCF-style: chr9-123783801-C-T.
Other names: c.1306G>A, p.Val436Met (NM_001317163.2); c.1288G>A, p.Val430Met (NM_001317164.2); short protein forms V430M, V436M.
Identifiers: ClinVar variation 1421692 (VCV001421692.8), dbSNP rs757630687, ClinGen allele CA374752398.

ClinVar aggregate classification (germline): Uncertain significance (1 of 4 stars; one submission).

gnomAD v4.1: 5 of 1,613,150 alleles (0.00031%); highest among the groups gnomAD compares: East Asian, 0.0022%; no homozygotes.

Submission:

Labcorp Genetics (formerly Invitae), Labcorp
Classification: Uncertain significance. Last evaluated: 2020-11-10. Review status: criteria provided, single submitter. Criteria: Invitae Variant Classification Sherloc (09022015). Collection method: clinical testing. Allele origin: germline.
Comment: In summary, the available evidence is currently insufficient to determine the role of this variant in disease. Therefore, it has been classified as a Variant of Uncertain Significance. Algorithms developed to predict the effect of missense changes on protein structure and function output the following: SIFT: "Tolerated"; PolyPhen-2: "Benign"; Align-GVGD: "Class C0". The methionine amino acid residue is found in multiple mammalian species, suggesting that this missense change does not adversely affect protein function. These predictions have not been confirmed by published functional studies and their clinical significance is uncertain. This variant has not been reported in the literature in individuals with C5-related conditions. This sequence change replaces valine with methionine at codon 430 of the C5 protein (p.Val430Met). The valine residue is weakly conserved and there is a small physicochemical difference between valine and methionine. This variant is not present in population databases (ExAC no frequency).